The following is an entry in ClinVar:

ClinVar aggregate classification (germline): Likely benign. Review status: criteria provided, single submitter (1 of 4 stars). 2 submissions from 2 submitters: Likely benign (1). 1 of the submissions does not count toward it. Last evaluated 2024-07-19.

Conditions:
TIMM50-related disorder. Also called: TIMM50-related condition.

Allele frequency attached by ClinVar (database versions not stated): gnomAD 0.00004 and 0.00003; gnomAD exomes below 0.00001; ExAC 0.00001; TOPMed 0.00005.

Submissions (2):

Labcorp Genetics (formerly Invitae), Labcorp
Classification: Likely benign. Last evaluated: 2024-07-19. Review status: criteria provided, single submitter. Criteria: Invitae Variant Classification Sherloc (09022015). Collection method: clinical testing. Allele origin: germline.

PreventionGenetics, part of Exact Sciences
Classification: Likely benign for TIMM50-related condition. Last evaluated: 2023-11-03. Review status: no assertion criteria provided. Collection method: clinical testing. Allele origin: germline. Not counted in ClinVar's aggregate classification.
Comment: This variant is classified as likely benign based on ACMG/AMP sequence variant interpretation guidelines (Richards et al. 2015 PMID: 25741868, with internal and published modifications).

NC_000019.10:g.39480665T>C

Gene: TIMM50 (translocase of inner mitochondrial membrane 50; plus strand). Cytogenetic location: 19q13.2.
Variant type: single nucleotide variant.
Genome position: GRCh38 VCF-style: chr19-39480665-T-C. GRCh37 (hg19) VCF-style: chr19-39971305-T-C.
Identifiers: ClinVar variation 1627485 (VCV001627485.10), dbSNP rs769139888, ClinGen allele CA9431556.